The following is an entry in ClinVar:

ClinVar aggregate classification (germline): Uncertain significance (1 of 4 stars; one submission).

Conditions:
Cardiovascular phenotype. Identifiers: MedGen CN230736.

Allele frequency attached by ClinVar (database versions not stated): gnomAD exomes below 0.00001.
gnomAD v4.1: 2 of 1,551,222 alleles (0.00013%); highest among the groups gnomAD compares: Admixed American, 0.0039%; no homozygotes.

Submission:

Ambry Genetics
Classification: Uncertain significance for Cardiovascular phenotype. Last evaluated: 2023-06-05. Review status: criteria provided, single submitter. Criteria: Ambry Variant Classification Scheme 2023. Collection method: clinical testing. Allele origin: germline.
Comment: The p.D376G variant (also known as c.1127A>G), located in coding exon 2 of the TNXB gene, results from an A to G substitution at nucleotide position 1127. The aspartic acid at codon 376 is replaced by glycine, an amino acid with similar properties. This amino acid position is conserved. In addition, this alteration is predicted to be tolerated by in silico analysis. Since supporting evidence is limited at this time, the clinical significance of this alteration remains unclear.

NM_001365276.2(TNXB):c.1127A>G (p.Asp376Gly)

Gene: TNXB (tenascin XB; minus strand). Cytogenetic location: 6p21.33.
Variant type: single nucleotide variant.
Coding change: c.1127A>G on transcript NM_001365276.2 (MANE Select); coding-DNA position 1127, A replaced by G.
Protein change: p.Asp376Gly; replaces aspartic acid 376 with glycine.
Molecular consequence: missense variant.
Genome position (GRCh38, 1-based): chr6:32,096,726, T>C on the plus strand (A>G on the coding strand, the complement: TNXB is on the minus strand). VCF-style: chr6-32096726-T-C. GRCh37 (hg19) VCF-style: chr6-32064503-T-C.
Other names: c.1127A>G, p.Asp376Gly (NM_019105.8); short protein forms D376G.
Identifiers: ClinVar variation 2562155 (VCV002562155.2), dbSNP rs1216614768, ClinGen allele CA363483562.